The following is an entry in ClinVar:

ClinVar aggregate classification (germline): Likely pathogenic (1 of 4 stars; one submission).

Allele frequency attached by ClinVar (database versions not stated): gnomAD exomes below 0.00001.
gnomAD v4.1: 6 of 1,612,744 alleles (0.00037%); highest among the groups gnomAD compares: Non-Finnish European, 0.00042%; no homozygotes.

Submission:

Labcorp Genetics (formerly Invitae), Labcorp
Classification: Likely pathogenic. Last evaluated: 2022-03-26. Review status: criteria provided, single submitter. Criteria: Invitae Variant Classification Sherloc (09022015). Collection method: clinical testing. Allele origin: germline.
Comment: In summary, the currently available evidence indicates that the variant is pathogenic, but additional data are needed to prove that conclusively. Therefore, this variant has been classified as Likely Pathogenic. Advanced modeling of protein sequence and biophysical properties (such as structural, functional, and spatial information, amino acid conservation, physicochemical variation, residue mobility, and thermodynamic stability) performed at Invitae indicates that this missense variant is expected to disrupt NPHS1 protein function. This missense change has been observed in individual(s) with nephrotic syndrome (Invitae). In at least one individual the data is consistent with being in trans (on the opposite chromosome) from a pathogenic variant. This variant is not present in population databases (gnomAD no frequency). This sequence change replaces arginine, which is basic and polar, with tryptophan, which is neutral and slightly polar, at codon 695 of the NPHS1 protein (p.Arg695Trp).

NM_004646.4(NPHS1):c.2083C>T (p.Arg695Trp)

Gene: NPHS1 (NPHS1 adhesion molecule, nephrin; minus strand). Cytogenetic location: 19q13.12.
Variant type: single nucleotide variant.
Coding change: c.2083C>T on transcript NM_004646.4 (MANE Select); coding-DNA position 2083, C replaced by T.
Protein change: p.Arg695Trp; replaces arginine 695 with tryptophan.
Molecular consequence: missense variant.
Genome position (GRCh38, 1-based): chr19:35,844,232, G>A on the plus strand (C>T on the coding strand, the complement: NPHS1 is on the minus strand). VCF-style: chr19-35844232-G-A. GRCh37 (hg19) VCF-style: chr19-36335134-G-A.
Other names: short protein forms R695W.
Identifiers: ClinVar variation 1516229 (VCV001516229.8), dbSNP rs2146822039, ClinGen allele CA405397607.